The following is an entry in ClinVar:

NM_001374828.1(ARID1B):c.210T>G (p.Ser70Arg)

Genes: ARID1B (AT-rich interaction domain 1B; plus strand), LOC115308161 (uncharacterized LOC115308161; minus strand), LOC129997523 (ATAC-STARR-seq lymphoblastoid silent region 17710; plus strand). Cytogenetic location: 6q25.3.
Variant type: single nucleotide variant.
Coding change: c.210T>G on transcript NM_001374828.1 (MANE Select); coding-DNA position 210, T replaced by G.
Protein change: p.Ser70Arg; replaces serine 70 with arginine.
Molecular consequence: missense variant.
Genome position (GRCh38, 1-based): chr6:156,777,890, T>G. VCF-style: chr6-156777890-T-G. GRCh37 (hg19) VCF-style: chr6-157099024-T-G.
Other names: c.210T>G, p.Ser70Arg (NM_001371656.1, NM_001374820.1, NM_017519.3); short protein forms S70R.
Identifiers: ClinVar variation 1288785 (VCV001288785.23), dbSNP rs1042875011, ClinGen allele CA150802674.
Genomic context (GRCh38, chr6:156,777,890, plus strand): 5'-GGCGGCGGCACCGGGACCCATGCTGGGGGGCGGCGGCGACGGCGGCGGCGGCCTGAACAG[T>G]GTGCACCACCACCCCCTGCTCCCCCGTCACGAACTCAACATGGCCCATAACGCGGGCGCC-3'
Protein context (NP_001361757.1, residues 60-80): GGGDGGGGLN[Ser70Arg]VHHHPLLPRH

ClinVar aggregate classification (germline): Benign/Likely benign. Review status: criteria provided, multiple submitters, no conflicts (2 of 4 stars). 2 submissions from 2 submitters: Benign (1); Likely benign (1). Last evaluated 2024-02-01.

Allele frequency attached by ClinVar (database versions not stated): gnomAD exomes 0.00026; gnomAD 0.00112 and 0.00123; TOPMed 0.00138; 1000 Genomes Project 30x 0.00234.
gnomAD v4.1: 297 of 1,476,516 alleles (0.02%); highest among the groups gnomAD compares: African/African-American, 0.39%; no homozygotes.

Submissions (2):

CeGaT Center for Human Genetics Tuebingen
Classification: Likely benign. Last evaluated: 2024-02-01. Review status: criteria provided, single submitter. Criteria: CeGaT Center For Human Genetics Tuebingen Variant Classification Criteria Version 2. Collection method: clinical testing. Allele origin: germline. Affected: yes. Observed: 1 variant allele.
Comment: ARID1B: BS1

GeneDx
Classification: Benign. Last evaluated: 2021-01-21. Review status: criteria provided, single submitter. Criteria: GeneDx Variant Classification Process June 2021. Collection method: clinical testing. Allele origin: germline. Affected: yes.